The following is an entry in ClinVar:

ClinVar aggregate classification (germline): Conflicting classifications of pathogenicity. Review status: criteria provided, conflicting classifications (1 of 4 stars). 2 submissions from 2 submitters: Uncertain significance (1); Likely benign (1). Last evaluated 2024-06-06.

Conditions:
Hereditary cancer-predisposing syndrome. Also called: Neoplastic Syndromes, Hereditary; Tumor predisposition; Hereditary neoplastic syndrome; Hereditary Cancer Syndrome. Identifiers: Orphanet 140162, MedGen C0027672, MeSH D009386, MONDO:0015356.

Allele frequency attached by ClinVar (database versions not stated): gnomAD exomes below 0.00001; TOPMed 0.00001.
gnomAD v4.1: 2 of 1,614,124 alleles (0.00012%); highest among the groups gnomAD compares: African/African-American, 0.0013%; no homozygotes.

Submissions (2):

GeneDx
Classification: Uncertain significance. Last evaluated: 2024-06-06. Review status: criteria provided, single submitter. Criteria: GeneDx Variant Classification Process June 2021. Collection method: clinical testing. Allele origin: germline. Affected: yes.
Comment: Not observed at significant frequency in large population cohorts (gnomAD); In silico analysis indicates that this missense variant does not alter protein structure/function; Has not been previously published as pathogenic or benign to our knowledge

Ambry Genetics
Classification: Likely benign for Hereditary cancer-predisposing syndrome. Last evaluated: 2019-12-12. Review status: criteria provided, single submitter. Criteria: Ambry Variant Classification Scheme 2023. Collection method: clinical testing. Allele origin: germline.

NM_000057.4(BLM):c.4055C>T (p.Ser1352Phe)

Gene: BLM (BLM RecQ like helicase; plus strand). Cytogenetic location: 15q26.1.
Variant type: single nucleotide variant.
Coding change: c.4055C>T on transcript NM_000057.4 (MANE Select); coding-DNA position 4055, C replaced by T.
Protein change: p.Ser1352Phe; replaces serine 1352 with phenylalanine.
Molecular consequence: missense variant.
Genome position (GRCh38, 1-based): chr15:90,811,385, C>T. VCF-style: chr15-90811385-C-T. GRCh37 (hg19) VCF-style: chr15-91354615-C-T.
Other names: c.4055C>T, p.Ser1352Phe (NM_001287246.2); c.3662C>T, p.Ser1221Phe (NM_001287247.2); c.2930C>T, p.Ser977Phe (NM_001287248.2); short protein forms S1352F, S977F, S1221F.
Identifiers: ClinVar variation 824545 (VCV000824545.5), dbSNP rs1596273746, ClinGen allele CA393851505.
Genomic context (GRCh38, chr15:90,811,385, plus strand): 5'-ATGAAAGGAAGAGGAAAAAGATGCCAGCCTCCCAAAGGTCTAAGAGGAGAAAAACTGCTT[C>T]CAGTGGTTCCAAGGCAAAGGGGTATGTTTTGTGACATCTTTTTCAATATAGGGAACAAGG-3'
Protein context (NP_000048.1, residues 1342-1362): SQRSKRRKTA[Ser1352Phe]SGSKAKGGSA